The following is an entry in ClinVar:

ClinVar aggregate classification (germline): Uncertain significance (1 of 4 stars; one submission).

Conditions:
TTC21B-related disorder. Also called: TTC21B-related condition; TTC21B-related disorders.

gnomAD v4.1: 1 of 1,612,972 alleles (0.000062%); highest among the groups gnomAD compares: East Asian, 0.0022%; no homozygotes.

Submission:

PreventionGenetics, part of Exact Sciences
Classification: Uncertain significance for TTC21B-related condition. Last evaluated: 2026-09-12. Review status: criteria provided, single submitter. Criteria: ACMG Guidelines, 2015. Collection method: clinical testing. Allele origin: germline.
Comment: The TTC21B c.1346T>C variant is predicted to result in the amino acid substitution p.Leu449Ser. To our knowledge, this variant has not been reported in the literature. This variant is reported in 0.0054% of alleles in individuals of East Asian descent in gnomAD. At this time, the clinical significance of this variant is uncertain due to the absence of conclusive functional and genetic evidence.

NM_024753.5(TTC21B):c.1346T>C (p.Leu449Ser)

Gene: TTC21B (tetratricopeptide repeat domain 21B; minus strand). Cytogenetic location: 2q24.3.
Variant type: single nucleotide variant.
Coding change: c.1346T>C on transcript NM_024753.5 (MANE Select); coding-DNA position 1346, T replaced by C.
Protein change: p.Leu449Ser; replaces leucine 449 with serine.
Molecular consequence: missense variant.
Genome position (GRCh38, 1-based): chr2:165,929,175, A>G on the plus strand (T>C on the coding strand, the complement: TTC21B is on the minus strand). VCF-style: chr2-165929175-A-G. GRCh37 (hg19) VCF-style: chr2-166785685-A-G.
Other names: short protein forms L449S.
Identifiers: ClinVar variation 4993553 (VCV004993553.1).